The following is an entry in ClinVar:

NM_001200.4(BMP2):c.1110G>A (p.Ser370=)

Gene: BMP2 (bone morphogenetic protein 2; plus strand). Cytogenetic location: 20p12.3.
Variant type: single nucleotide variant.
Coding change: c.1110G>A on transcript NM_001200.4 (MANE Select); coding-DNA position 1110, G replaced by A.
Protein change: p.Ser370=; no amino-acid change (serine 370 retained).
Molecular consequence: synonymous variant.
Genome position (GRCh38, 1-based): chr20:6,779,008, G>A. VCF-style: chr20-6779008-G-A. GRCh37 (hg19) VCF-style: chr20-6759655-G-A.
Identifiers: ClinVar variation 1138792 (VCV001138792.33), dbSNP rs371434289, ClinGen allele CA9758784.

ClinVar aggregate classification (germline): Likely benign. Review status: criteria provided, multiple submitters, no conflicts (2 of 4 stars). 3 submissions from 3 submitters: Likely benign (3). Last evaluated 2025-10-02.

Allele frequency attached by ClinVar (database versions not stated): TOPMed 0.00007; ESP Exome Variant Server 0.00015; 1000 Genomes Project 30x 0.00016; 1000 Genomes Project 0.00020.
gnomAD v4.1: 169 of 1,613,736 alleles (0.01%); highest among the groups gnomAD compares: Non-Finnish European, 0.01%; no homozygotes.

Submissions (3):

Labcorp Genetics (formerly Invitae), Labcorp
Classification: Likely benign. Last evaluated: 2025-10-02. Review status: criteria provided, single submitter. Criteria: Invitae Variant Classification Sherloc (09022015). Collection method: clinical testing. Allele origin: germline.

Blueprint Genetics
Classification: Likely benign. Last evaluated: 2024-09-17. Review status: criteria provided, single submitter. Criteria: ACMG Guidelines, 2015. Collection method: clinical testing. Allele origin: germline.

CeGaT Center for Human Genetics Tuebingen
Classification: Likely benign. Last evaluated: 2022-03-01. Review status: criteria provided, single submitter. Criteria: CeGaT Center For Human Genetics Tuebingen Variant Classification Criteria Version 2. Collection method: clinical testing. Allele origin: germline. Affected: yes. Observed: 1 variant allele.
Comment: BMP2: BP4, BP7